The following is an entry in ClinVar:

ClinVar aggregate classification (germline): Uncertain significance. Review status: criteria provided, multiple submitters, no conflicts (2 of 4 stars). 3 submissions from 3 submitters: Uncertain significance (2). 1 of the submissions does not count toward it. Last evaluated 2026-01-20.

Conditions:
TUBB1-related disorder. Also called: TUBB1-related condition.
Macrothrombocytopenia, isolated, 1, autosomal dominant (MACTHC1). Also called: Autosomal dominant macrothrombocytopenia TUBB1-related. Identifiers: Orphanet 140957, MedGen C5676892, MONDO:0800047, OMIM 613112.

Allele frequency attached by ClinVar (database versions not stated): gnomAD 0.00001; TOPMed 0.00002; ExAC 0.00003; gnomAD exomes 0.00003.
gnomAD v4.1: 40 of 1,614,010 alleles (0.0025%); highest among the groups gnomAD compares: Non-Finnish European, 0.0031%; no homozygotes.

Submissions (3):

PreventionGenetics, part of Exact Sciences
Classification: Uncertain significance for TUBB1-related condition. Last evaluated: 2026-01-20. Review status: criteria provided, single submitter. Criteria: ACMG Guidelines, 2015. Collection method: clinical testing. Allele origin: germline.
Comment: The TUBB1 c.1219G>A variant is predicted to result in the amino acid substitution p.Glu407Lys. This variant has not been reported in the literature in individuals with macrothrombocytopenia. This variant is reported in 0.0053% of alleles in individuals of European (Non-Finnish) descent in gnomAD. At this time, the clinical significance of this variant is uncertain due to the absence of conclusive functional and genetic evidence.

Labcorp Genetics (formerly Invitae), Labcorp
Classification: Uncertain significance. Last evaluated: 2025-11-08. Review status: criteria provided, single submitter. Criteria: Invitae Variant Classification Sherloc (09022015). Collection method: clinical testing. Allele origin: germline.
Comment: This sequence change replaces glutamic acid, which is acidic and polar, with lysine, which is basic and polar, at codon 407 of the TUBB1 protein (p.Glu407Lys). This variant is present in population databases (rs779957131, gnomAD 0.005%). This variant has not been reported in the literature in individuals affected with TUBB1-related conditions. ClinVar contains an entry for this variant (Variation ID: 1684414). Invitae Evidence Modeling of protein sequence and biophysical properties (such as structural, functional, and spatial information, amino acid conservation, physicochemical variation, residue mobility, and thermodynamic stability) indicates that this missense variant is expected to disrupt TUBB1 protein function with a positive predictive value of 80%. In summary, the available evidence is currently insufficient to determine the role of this variant in disease. Therefore, it has been classified as a Variant of Uncertain Significance.

ISTH-SSC Genomics in Thrombosis and Hemostasis, KU Leuven, Center for Molecular and Vascular Biology
Classification: Uncertain significance for Macrothrombocytopenia, isolated, 1, autosomal dominant. Review status: no assertion criteria provided. Collection method: clinical testing. Allele origin: germline. Affected: yes. Not counted in ClinVar's aggregate classification.
Comment: Submitted to GoldVariant by Juliana Perez Botero from Versiti Diagnostic Laboratories, USA

NM_030773.4(TUBB1):c.1219G>A (p.Glu407Lys)

Gene: TUBB1 (tubulin beta 1 class VI; plus strand). Cytogenetic location: 20q13.32.
Variant type: single nucleotide variant.
Coding change: c.1219G>A on transcript NM_030773.4 (MANE Select); coding-DNA position 1219, G replaced by A.
Protein change: p.Glu407Lys; replaces glutamic acid 407 with lysine.
Molecular consequence: missense variant.
Genome position (GRCh38, 1-based): chr20:59,024,646, G>A. VCF-style: chr20-59024646-G-A. GRCh37 (hg19) VCF-style: chr20-57599701-G-A.
Other names: short protein forms E407K.
Identifiers: ClinVar variation 1684414 (VCV001684414.5), dbSNP rs779957131, ClinGen allele CA9928680.
Genomic context (GRCh38, chr20:59,024,646, plus strand): 5'-GCCATGTTCAAAAGGAAAGCTTTTGTGCACTGGTACACCAGCGAAGGGATGGACATAAAC[G>A]AATTTGGGGAAGCTGAAAATAACATCCATGATTTGGTATCCGAGTACCAACAATTTCAAG-3'
Protein context (NP_110400.1, residues 397-417): WYTSEGMDIN[Glu407Lys]FGEAENNIHD